The following is an entry in ClinVar:

ClinVar aggregate classification (germline): Pathogenic (1 of 4 stars; one submission).

Submission:

Labcorp Genetics (formerly Invitae), Labcorp
Classification: Pathogenic. Last evaluated: 2026-01-09. Review status: criteria provided, single submitter. Criteria: Invitae Variant Classification Sherloc (09022015). Collection method: clinical testing. Allele origin: germline.
Comment: This sequence change creates a premature translational stop signal (p.Leu491Thrfs*26) in the OTOF gene. It is expected to result in an absent or disrupted protein product. Loss-of-function variants in OTOF are known to be pathogenic (PMID: 18381613, 19250381, 22575033). The frequency data for this variant in the population databases is considered unreliable, as metrics indicate poor data quality at this position in the gnomAD database. This premature translational stop signal has been observed in individual(s) with deafness (PMID: 27610647). For these reasons, this variant has been classified as Pathogenic.

Literature cited by the submitters: PubMed 18381613; PubMed 19250381; PubMed 22575033; PubMed 27610647.

NM_194248.3(OTOF):c.1469dup (p.Leu491fs)

Gene: OTOF (otoferlin; minus strand). Cytogenetic location: 2p23.3.
Variant type: Duplication.
Coding change: c.1469dup on transcript NM_194248.3 (MANE Select); coding-DNA position 1469, one base duplicated (C; older notation c.1469dupC).
Protein change: p.Leu491fs; shifts the reading frame from leucine 491.
Molecular consequence: frameshift variant.
Genome position (GRCh38, 1-based): chr2:26,482,516, G duplicated on the plus strand (C on the coding strand, the reverse complement: OTOF is on the minus strand); the first of 6 consecutive G bases (chr2:26,482,516-26,482,521); duplicating any one gives the same sequence. VCF-style (leftmost placement, unchanged base first): chr2-26482515-T-TG. GRCh37 (hg19) VCF-style: chr2-26705383-T-TG.
Other names: c.1469dup, p.Leu491fs (NM_001287489.2); short protein forms L491fs.
Identifiers: ClinVar variation 4746947 (VCV004746947.1).
Genomic context (GRCh38, chr2:26,482,515, plus strand): 5'-GATGGCCACGTCGTTGACCTTGTCCGAGTCTCGGATCTGCACCTTCATGCGTTTGCAGAG[T>TG]GGGGGGAAGAGGTCTGTAAAGACGACCTGCTCATTCCACAGGGGCTCATAGCTGCTCTTC-3'